The following is an entry in ClinVar:

NM_024675.4(PALB2):c.3510T>C (p.His1170=)

Gene: PALB2 (partner and localizer of BRCA2; minus strand). Cytogenetic location: 16p12.2.
Variant type: single nucleotide variant.
Coding change: c.3510T>C on transcript NM_024675.4 (MANE Select); coding-DNA position 3510, T replaced by C.
Protein change: p.His1170=; no amino-acid change (histidine 1170 retained).
Molecular consequence: synonymous variant.
Genome position (GRCh38, 1-based): chr16:23,603,510, A>G on the plus strand (T>C on the coding strand, the complement: PALB2 is on the minus strand). VCF-style: chr16-23603510-A-G. GRCh37 (hg19) VCF-style: chr16-23614831-A-G.
Identifiers: ClinVar variation 1577515 (VCV001577515.12), dbSNP rs1966396385, ClinGen allele CA494173541.

ClinVar aggregate classification (germline): Benign/Likely benign. Review status: criteria provided, multiple submitters, no conflicts (2 of 4 stars). 3 submissions from 3 submitters: Benign (1); Likely benign (2). Last evaluated 2025-01-22.

Conditions:
Hereditary cancer-predisposing syndrome. Also called: Hereditary Cancer Syndrome; Tumor predisposition; Neoplastic Syndromes, Hereditary; Hereditary neoplastic syndrome. Identifiers: Orphanet 140162, MedGen C0027672, MeSH D009386, MONDO:0015356.
Familial cancer of breast. Also called: hereditary breast carcinoma; BREAST CANCER, FAMILIAL; Hereditary breast cancer. Identifiers: Orphanet 227535, MedGen C0346153, MONDO:0016419, OMIM 114480. Disease mechanism: loss of function.

Allele frequency attached by ClinVar (database versions not stated): gnomAD 0.00001.

Submissions (3):

Myriad Genetics, Inc.
Classification: Benign for Familial cancer of breast. Last evaluated: 2025-01-22. Review status: criteria provided, single submitter. Criteria: Myriad Autosomal Dominant, Autosomal Recessive and X-Linked Classification Criteria (2023). Collection method: clinical testing. Allele origin: unknown.
Comment: This variant is considered benign. This variant is a silent/synonymous amino acid change and it is not expected to impact splicing.

Ambry Genetics
Classification: Likely benign for Hereditary cancer-predisposing syndrome. Last evaluated: 2022-04-30. Review status: criteria provided, single submitter. Criteria: Ambry Variant Classification Scheme 2023. Collection method: clinical testing. Allele origin: germline.

Labcorp Genetics (formerly Invitae), Labcorp
Classification: Likely benign for Familial cancer of breast. Last evaluated: 2022-03-27. Review status: criteria provided, single submitter. Criteria: Invitae Variant Classification Sherloc (09022015). Collection method: clinical testing. Allele origin: germline.